The following is an entry in ClinVar:

NM_052865.4(MGME1):c.913C>T (p.His305Tyr)

Gene: MGME1 (mitochondrial genome maintenance exonuclease 1; plus strand). Cytogenetic location: 20p11.23.
Variant type: single nucleotide variant.
Coding change: c.913C>T on transcript NM_052865.4 (MANE Select); coding-DNA position 913, C replaced by T.
Protein change: p.His305Tyr; replaces histidine 305 with tyrosine.
Molecular consequence: missense variant.
Genome position (GRCh38, 1-based): chr20:17,989,987, C>T. VCF-style: chr20-17989987-C-T. GRCh37 (hg19) VCF-style: chr20-17970630-C-T.
Other names: c.958C>T, p.His320Tyr (NM_001310338.2); c.560C>T, p.Pro187Leu (NM_001310339.2); c.673C>T, p.His225Tyr (NM_001363738.2); short protein forms H225Y, H320Y, H305Y, P187L.
Identifiers: ClinVar variation 2197416 (VCV002197416.2), dbSNP rs569109710, ClinGen allele CA9775070.

ClinVar aggregate classification (germline): Uncertain significance. Review status: criteria provided, multiple submitters, no conflicts (2 of 4 stars). 2 submissions from 2 submitters: Uncertain significance (2). Last evaluated 2022-12-14.

Allele frequency attached by ClinVar (database versions not stated): gnomAD exomes below 0.00001; ExAC 0.00002; gnomAD 0.00002; TOPMed 0.00002; 1000 Genomes Project 30x 0.00031; 1000 Genomes Project 0.00040.
gnomAD v4.1: 9 of 1,614,128 alleles (0.00056%); highest among the groups gnomAD compares: East Asian, 0.02%; no homozygotes.

Submissions (2):

Blueprint Genetics
Classification: Uncertain significance. Last evaluated: 2022-12-14. Review status: criteria provided, single submitter. Criteria: ACMG Guidelines, 2015. Collection method: clinical testing. Allele origin: germline.

Labcorp Genetics (formerly Invitae), Labcorp
Classification: Uncertain significance. Last evaluated: 2022-04-24. Review status: criteria provided, single submitter. Criteria: Invitae Variant Classification Sherloc (09022015). Collection method: clinical testing. Allele origin: germline.
Comment: This sequence change replaces histidine, which is basic and polar, with tyrosine, which is neutral and polar, at codon 305 of the MGME1 protein (p.His305Tyr). This variant is present in population databases (rs569109710, gnomAD 0.02%). This variant has not been reported in the literature in individuals affected with MGME1-related conditions. Algorithms developed to predict the effect of missense changes on protein structure and function (SIFT, PolyPhen-2, Align-GVGD) all suggest that this variant is likely to be disruptive. In summary, the available evidence is currently insufficient to determine the role of this variant in disease. Therefore, it has been classified as a Variant of Uncertain Significance.